The following is an entry in ClinVar:

NM_022437.3(ABCG8):c.361C>A (p.Arg121=)

Gene: ABCG8 (ATP binding cassette subfamily G member 8; plus strand). Cytogenetic location: 2p21.
Variant type: single nucleotide variant.
Coding change: c.361C>A on transcript NM_022437.3 (MANE Select); coding-DNA position 361, C replaced by A.
Protein change: p.Arg121=; no amino-acid change (arginine 121 retained).
Molecular consequence: synonymous variant.
Genome position (GRCh38, 1-based): chr2:43,851,622, C>A. VCF-style: chr2-43851622-C-A. GRCh37 (hg19) VCF-style: chr2-44078761-C-A.
Other names: c.361C>A, p.Arg121= (NM_001357321.2).
Identifiers: ClinVar variation 2628513 (VCV002628513.1), dbSNP rs375005392, ClinGen allele CA425752758.

ClinVar aggregate classification (germline): Uncertain significance (1 of 4 stars; one submission).

Conditions:
ABCG8-related disorder. Also called: ABCG8-related condition.

gnomAD v4.1: 2 of 1,614,072 alleles (0.00012%); highest among the groups gnomAD compares: African/African-American, 0.0027%; no homozygotes.

Submission:

PreventionGenetics, part of Exact Sciences
Classification: Uncertain significance for ABCG8-related condition. Last evaluated: 2023-07-03. Review status: criteria provided, single submitter. Criteria: ACMG Guidelines, 2015. Collection method: clinical testing. Allele origin: germline.
Comment: The ABCG8 c.361C>A variant is not predicted to result in an amino acid change (p.=). To our knowledge, this variant has not been reported in the literature or in a large population database, indicating this variant is rare. At this time, the clinical significance of this variant is uncertain due to the absence of conclusive functional and genetic evidence.